The following is an entry in ClinVar:

ClinVar aggregate classification (germline): Pathogenic (1 of 4 stars; one submission).

Submission:

GeneDx
Classification: Pathogenic. Last evaluated: 2014-06-03. Review status: criteria provided, single submitter. Criteria: GeneDx Variant Classification (06012015). Collection method: clinical testing. Allele origin: germline. Affected: yes.
Comment: The c.6406_6407dupGT variant in the FBN1 gene has been reported in one patient with Marfan syndrome (Roopnariane A et al., 2011). Furthermore, the c.6407_6408insGT variant was not observed in approximately 6,500 individuals of European and African American ancestry in the NHLBI Exome Sequencing Project, indicating it is not a common benign variant in these populations. This variant causes a shift in reading frame starting at codon Cysteine 2137, changing it to a Serine, and creating a premature stop codon at position 24 of the new reading frame, denoted p.Cys2137SerfsX24. This variant is expected to result in either an abnormal, truncated protein product or loss of protein from this allele through nonsense-mediated mRNA decay. Moreover, other frameshift variants in the FBN1 gene have been reported in association with Marfan syndrome. In summary, c.6406_6407dupGT in the FBN1 gene is interpreted as a pathogenic variant.

NM_000138.5(FBN1):c.6406_6407dup (p.Cys2137fs)

Gene: FBN1 (fibrillin 1; minus strand). Cytogenetic location: 15q21.1.
Variant type: Duplication.
Coding change: c.6406_6407dup on transcript NM_000138.5 (MANE Select); coding-DNA positions 6406 to 6407, 2 bases duplicated (GT; older notation c.6406_6407dupGT).
Protein change: p.Cys2137fs; shifts the reading frame from cysteine 2137.
Molecular consequence: frameshift variant.
Genome position (GRCh38, 1-based): chr15:48,437,050-48,437,051, AC duplicated on the plus strand (GT on the coding strand, the reverse complement: FBN1 is on the minus strand); duplicating any 2 consecutive bases within chr15:48,437,050-48,437,052 gives the same sequence; the c. name uses the placement nearest the transcript's 3' end. VCF-style (leftmost placement, unchanged base first): chr15-48437049-G-GAC. GRCh37 (hg19) VCF-style: chr15-48729246-G-GAC.
Other names: c.6406_6407dupGT (NM_000138.4); short protein forms C2137fs.
Identifiers: ClinVar variation 200169 (VCV000200169.2), dbSNP rs794728317, ClinGen allele CA304353.